The following is an entry in ClinVar:

NM_002354.3(EPCAM):c.656A>T (p.Asp219Val)

Gene: EPCAM (epithelial cell adhesion molecule; plus strand). Cytogenetic location: 2p21.
Variant type: single nucleotide variant.
Coding change: c.656A>T on transcript NM_002354.3 (MANE Select); coding-DNA position 656, A replaced by T.
Protein change: p.Asp219Val; replaces aspartic acid 219 with valine.
Molecular consequence: missense variant.
Genome position (GRCh38, 1-based): chr2:47,379,053, A>T. VCF-style: chr2-47379053-A-T. GRCh37 (hg19) VCF-style: chr2-47606192-A-T.
Other names: short protein forms D219V.
Identifiers: ClinVar variation 4018546 (VCV004018546.1).
Genomic context (GRCh38, chr2:47,379,053, plus strand): 5'-CTTCTCAAAAAACTCAGAATGATGTGGACATAGCTGATGTGGCTTATTATTTTGAAAAAG[A>T]TGTGAGTATCATCTTCTTTATTCCTGTGTTCAGGAATGTAGTCTATCATGCCTCAATGAA-3'
Protein context (NP_002345.2, residues 209-229): IADVAYYFEK[Asp219Val]VKGESLFHSK

ClinVar aggregate classification (germline): Uncertain significance (1 of 4 stars; one submission).

Conditions:
Hereditary cancer-predisposing syndrome. Also called: Tumor predisposition; Hereditary neoplastic syndrome; Neoplastic Syndromes, Hereditary; Hereditary Cancer Syndrome. Identifiers: Orphanet 140162, MedGen C0027672, MeSH D009386, MONDO:0015356.

Submission:

Ambry Genetics
Classification: Uncertain significance for Hereditary cancer-predisposing syndrome. Last evaluated: 2025-04-06. Review status: criteria provided, single submitter. Criteria: Ambry Variant Classification Scheme 2023. Collection method: clinical testing. Allele origin: germline.
Comment: The p.D219V variant (also known as c.656A>T), located in coding exon 6 of the EPCAM gene, results from an A to T substitution at nucleotide position 656. The aspartic acid at codon 219 is replaced by valine, an amino acid with highly dissimilar properties. This amino acid position is conserved. In addition, this alteration is predicted to be deleterious by in silico analysis. Based on the available evidence, the clinical significance of this variant remains unclear.